The following is an entry in ClinVar:

NM_024417.5(FDXR):c.980G>A (p.Arg327His)

Gene: FDXR (ferredoxin reductase; minus strand). Cytogenetic location: 17q25.1.
Variant type: single nucleotide variant.
Coding change: c.980G>A on transcript NM_024417.5 (MANE Select); coding-DNA position 980, G replaced by A.
Protein change: p.Arg327His; replaces arginine 327 with histidine.
Molecular consequence: missense variant. On other transcripts: non-coding transcript variant (1).
Genome position (GRCh38, 1-based): chr17:74,864,170, C>T on the plus strand (G>A on the coding strand, the complement: FDXR is on the minus strand). VCF-style: chr17-74864170-C-T. GRCh37 (hg19) VCF-style: chr17-72860292-C-T.
Other names: c.1109G>A, p.Arg370His (NM_001258012.4); c.1073G>A, p.Arg358His (NM_001258013.4); c.956G>A, p.Arg319His (NM_001258014.4); c.860G>A, p.Arg287His (NM_001258015.3); c.824G>A, p.Arg275His (NM_001258016.3); c.998G>A, p.Arg333His (NM_004110.6); c.998G>A (NM_004110.3); short protein forms R287H, R333H, R327H, R319H, R275H, R358H, R370H.
Identifiers: ClinVar variation 803464 (VCV000803464.6), dbSNP rs752410856, ClinGen allele CA8752965.

ClinVar aggregate classification (germline): Uncertain significance. Review status: criteria provided, multiple submitters, no conflicts (2 of 4 stars). 4 submissions from 4 submitters: Uncertain significance (4). Last evaluated 2024-11-19.

Conditions:
Auditory neuropathy-optic atrophy syndrome. Also called: AUDITORY NEUROPATHY AND OPTIC ATROPHY; MULTIPLE MITOCHONDRIAL DYSFUNCTIONS SYNDROME 9A. Identifiers: Orphanet 542585, MedGen C4521678, MONDO:0060582, OMIM 617717.
Inborn genetic diseases. Identifiers: MedGen C0950123, MeSH D030342.

Allele frequency attached by ClinVar (database versions not stated): TOPMed 0.00001; ExAC 0.00003; gnomAD 0.00003; gnomAD exomes 0.00004.
gnomAD v4.1: 36 of 1,612,618 alleles (0.0022%); highest among the groups gnomAD compares: African/African-American, 0.0027%; no homozygotes.

Submissions (4):

Dasa
Classification: Uncertain significance. Last evaluated: 2024-11-19. Review status: criteria provided, single submitter. Criteria: DASA Assertion Criteria. Collection method: clinical testing. Allele origin: germline.
Comment: NM_024417.5(FDXR):c.980G>A (p.Arg327His) is a missense variant that results in the substitution of arginine with histidine. This variant is rare in population databases. Computational prediction algorithms are consistent with a benign effect. The currently available literature and clinical evidence are not sufficient to establish a definitive association between this variant and the reported condition. Therefore, this variant is classified as a variant of uncertain significance.

Ambry Genetics
Classification: Uncertain significance for Inborn genetic diseases. Last evaluated: 2023-08-14. Review status: criteria provided, single submitter. Criteria: Ambry Variant Classification Scheme 2023. Collection method: clinical testing. Allele origin: germline.

Blueprint Genetics
Classification: Uncertain significance. Last evaluated: 2022-07-20. Review status: criteria provided, single submitter. Criteria: ACMG Guidelines, 2015. Collection method: clinical testing. Allele origin: germline.

Mendelics
Classification: Uncertain significance for Auditory neuropathy-optic atrophy syndrome. Last evaluated: 2019-05-28. Review status: criteria provided, single submitter. Criteria: Mendelics Assertion Criteria 2017. Collection method: clinical testing. Allele origin: unknown.